The following is an entry in ClinVar:

NM_145038.5(DRC1):c.2021A>T (p.Gln674Leu)

Gene: DRC1 (dynein regulatory complex subunit 1; plus strand). Cytogenetic location: 2p23.3.
Variant type: single nucleotide variant.
Coding change: c.2021A>T on transcript NM_145038.5 (MANE Select); coding-DNA position 2021, A replaced by T.
Protein change: p.Gln674Leu; replaces glutamine 674 with leucine.
Molecular consequence: missense variant.
Genome position (GRCh38, 1-based): chr2:26,454,748, A>T. VCF-style: chr2-26454748-A-T. GRCh37 (hg19) VCF-style: chr2-26677616-A-T.
Other names: p.Gln674Leu; c.2021A>T (NM_145038.4); short protein forms Q674L.
Identifiers: ClinVar variation 414284 (VCV000414284.14), dbSNP rs202097155, ClinGen allele CA1562473.

ClinVar aggregate classification (germline): Likely benign. Review status: criteria provided, multiple submitters, no conflicts (2 of 4 stars). 3 submissions from 3 submitters: Likely benign (2). 1 of the submissions does not count toward it. Last evaluated 2026-02-02.

Conditions:
Primary ciliary dyskinesia. Also called: Ciliary dyskinesia. Identifiers: Orphanet 244, MedGen C0008780, MONDO:0016575, HP:0012265.
DRC1-related disorder. Also called: DRC1-related condition.

Allele frequency attached by ClinVar (database versions not stated): 1000 Genomes Project 30x 0.00016; 1000 Genomes Project 0.00020; ESP Exome Variant Server 0.00046; TOPMed 0.00055; gnomAD exomes 0.00084 and 0.00110; gnomAD 0.00117 and 0.00123; ExAC 0.00133.

Submissions (3):

Labcorp Genetics (formerly Invitae), Labcorp
Classification: Likely benign for Primary ciliary dyskinesia. Last evaluated: 2026-02-02. Review status: criteria provided, single submitter. Criteria: Invitae Variant Classification Sherloc (09022015). Collection method: clinical testing. Allele origin: germline.

Mayo Clinic Laboratories, Mayo Clinic
Classification: Likely benign. Last evaluated: 2025-02-18. Review status: criteria provided, single submitter. Criteria: ACMG Guidelines, 2015. Collection method: clinical testing. Allele origin: germline. Observed: 1 variant allele.
Comment: BS2_supporting, BP4_moderate

PreventionGenetics, part of Exact Sciences
Classification: Likely benign for DRC1-related condition. Last evaluated: 2022-02-17. Review status: no assertion criteria provided. Collection method: clinical testing. Allele origin: germline. Not counted in ClinVar's aggregate classification.
Comment: This variant is classified as likely benign based on ACMG/AMP sequence variant interpretation guidelines (Richards et al. 2015 PMID: 25741868, with internal and published modifications).